The following is an entry in ClinVar:

ClinVar aggregate classification (germline): Uncertain significance (1 of 4 stars; one submission).

Conditions:
T-cell lymphopenia, infantile, with or without nail dystrophy, autosomal dominant. Identifiers: Orphanet 676039, MedGen C5394133, MONDO:0032928, OMIM 618806.
T-cell immunodeficiency, congenital alopecia, and nail dystrophy. Also called: Congenital alopecia and nail dystrophy associated with severe functional T-cell immunodeficiency; Pignata Guarino syndrome. Identifiers: Orphanet 169095, MedGen C1866426, MONDO:0011132, OMIM 601705.

Submission:

Center for Genomics, Ann and Robert H. Lurie Children's Hospital of Chicago
Classification: Uncertain significance for T-cell lymphopenia, infantile, with or without nail dystrophy, autosomal dominant; T-cell immunodeficiency, congenital alopecia, and nail dystrophy. Review status: criteria provided, single submitter. Criteria: ACMG Guidelines, 2015. Collection method: clinical testing. Allele origin: germline.
Comment: This variant has not been reported in the literature and is not present in large control databases. Evolutionary conservation and computational predictive tools for this variant are limited or unavailable. Of note, this variant removes the wild-type stop codon and extends the protein by 91 amino acids; the clinical impact of this variant is unknown. In summary, data on this variant is insufficient for disease classification. Therefore, the clinical significance of this variant is uncertain.

NM_001369369.1(FOXN1):c.1945T>G (p.Ter649Gly)

Gene: FOXN1 (forkhead box N1; plus strand). Cytogenetic location: 17q11.2.
Variant type: single nucleotide variant.
Coding change: c.1945T>G on transcript NM_001369369.1 (MANE Select); coding-DNA position 1945, T replaced by G.
Protein change: p.Ter649Gly.
Molecular consequence: stop lost.
Genome position (GRCh38, 1-based): chr17:28,537,434, T>G. VCF-style: chr17-28537434-T-G. GRCh37 (hg19) VCF-style: chr17-26864452-T-G.
Other names: c.1945T>G, p.Ter649Gly (NM_003593.3).
Identifiers: ClinVar variation 2500036 (VCV002500036.2), dbSNP rs2508445156, ClinGen allele CA398328959.